The following is an entry in ClinVar:

ClinVar aggregate classification (germline): Conflicting classifications of pathogenicity. Review status: criteria provided, conflicting classifications (1 of 4 stars). 2 submissions from 2 submitters: Uncertain significance (1); Likely benign (1). Last evaluated 2025-05-11.

Conditions:
Hereditary cancer-predisposing syndrome. Also called: Neoplastic Syndromes, Hereditary; Tumor predisposition; Hereditary Cancer Syndrome; Hereditary neoplastic syndrome. Identifiers: Orphanet 140162, MedGen C0027672, MeSH D009386, MONDO:0015356.
Hereditary breast ovarian cancer syndrome. Also called: Hereditary breast and ovarian cancer syndrome; Hereditary breast and/or ovarian cancer syndrome; Hereditary breast and ovarian cancer syndrome (HBOC); Breast and ovarian cancer; BRCA1- and BRCA2-Associated Hereditary Breast and Ovarian Cancer; Hereditary breast and ovarian cancer. Identifiers: Orphanet 145, MedGen C0677776, MeSH D061325, MONDO:0003582. Disease mechanism: loss of function.

Submissions (2):

Labcorp Genetics (formerly Invitae), Labcorp
Classification: Uncertain significance for Hereditary breast ovarian cancer syndrome. Last evaluated: 2025-05-11. Review status: criteria provided, single submitter. Criteria: Invitae Variant Classification Sherloc (09022015). Collection method: clinical testing. Allele origin: germline.
Comment: This sequence change replaces isoleucine, which is neutral and non-polar, with leucine, which is neutral and non-polar, at codon 1831 of the BRCA2 protein (p.Ile1831Leu). This variant is not present in population databases (gnomAD no frequency). This variant has not been reported in the literature in individuals affected with BRCA2-related conditions. ClinVar contains an entry for this variant (Variation ID: 1000184). Invitae Evidence Modeling of protein sequence and biophysical properties (such as structural, functional, and spatial information, amino acid conservation, physicochemical variation, residue mobility, and thermodynamic stability) indicates that this missense variant is not expected to disrupt BRCA2 protein function with a negative predictive value of 95%. In summary, the available evidence is currently insufficient to determine the role of this variant in disease. Therefore, it has been classified as a Variant of Uncertain Significance.

University of Washington Department of Laboratory Medicine, University of Washington
Classification: Likely benign for Hereditary cancer-predisposing syndrome. Last evaluated: 2023-03-23. Review status: criteria provided, single submitter. Criteria: Dines et al. (Genet Med. 2020). Collection method: curation. Allele origin: germline.
Comment: Missense variant in a coldspot region where missense variants are very unlikely to be pathogenic (PMID:31911673).

BRCA2 exon 11 coldspot. Reclassification based on statistical prior probability.

NM_000059.4(BRCA2):c.5491A>C (p.Ile1831Leu)

Gene: BRCA2 (BRCA2 DNA repair associated; plus strand). Cytogenetic location: 13q13.1.
Variant type: single nucleotide variant.
Coding change: c.5491A>C on transcript NM_000059.4 (MANE Select); coding-DNA position 5491, A replaced by C.
Protein change: p.Ile1831Leu; replaces isoleucine 1831 with leucine.
Molecular consequence: missense variant.
Genome position (GRCh38, 1-based): chr13:32,339,846, A>C. VCF-style: chr13-32339846-A-C. GRCh37 (hg19) VCF-style: chr13-32913983-A-C.
Other names: short protein forms I1831L.
Identifiers: ClinVar variation 1000184 (VCV001000184.13), dbSNP rs1593905631, ClinGen allele CA387785758.